The following is an entry in ClinVar:

NM_015164.4(PLEKHM2):c.2518G>T (p.Ala840Ser)

Gene: PLEKHM2 (pleckstrin homology and RUN domain containing M2; plus strand). Cytogenetic location: 1p36.21.
Variant type: single nucleotide variant.
Coding change: c.2518G>T on transcript NM_015164.4 (MANE Select); coding-DNA position 2518, G replaced by T.
Protein change: p.Ala840Ser; replaces alanine 840 with serine.
Molecular consequence: missense variant.
Genome position (GRCh38, 1-based): chr1:15,731,941, G>T. VCF-style: chr1-15731941-G-T. GRCh37 (hg19) VCF-style: chr1-16058436-G-T.
Other names: c.2458G>T, p.Ala820Ser (NM_001410755.1); short protein forms A820S, A840S.
Identifiers: ClinVar variation 3672765 (VCV003672765.2).
Genomic context (GRCh38, chr1:15,731,941, plus strand): 5'-TGGCCCAGGGGGGAGCAGTGCGGTGGCTGCCGGAGAGCCAACACCACGGATCGGCCCCAC[G>T]CCTTCCAGGTCATTCTCTCCGACCGGCCCTGCCTGGAGCTAAGTGCCGAGAGCGAGGCCG-3'
Protein context (NP_055979.2, residues 830-850): RRANTTDRPH[Ala840Ser]FQVILSDRPC

ClinVar aggregate classification (germline): Uncertain significance (1 of 4 stars; one submission).

Submission:

Labcorp Genetics (formerly Invitae), Labcorp
Classification: Uncertain significance. Last evaluated: 2025-08-12. Review status: criteria provided, single submitter. Criteria: Invitae Variant Classification Sherloc (09022015). Collection method: clinical testing. Allele origin: germline.
Comment: This sequence change replaces alanine, which is neutral and non-polar, with serine, which is neutral and polar, at codon 840 of the PLEKHM2 protein (p.Ala840Ser). This variant is not present in population databases (gnomAD no frequency). This variant has not been reported in the literature in individuals affected with PLEKHM2-related conditions. ClinVar contains an entry for this variant (Variation ID: 3672765). An algorithm developed to predict the effect of missense changes on protein structure and function (PolyPhen-2) suggests that this variant is likely to be tolerated. Algorithms developed to predict the effect of sequence changes on RNA splicing suggest that this variant may disrupt the consensus splice site. In summary, the available evidence is currently insufficient to determine the role of this variant in disease. Therefore, it has been classified as a Variant of Uncertain Significance.